The following is an entry in ClinVar:

NM_001077594.2(EXOC3L4):c.687C>G (p.Pro229=)

Gene: EXOC3L4 (exocyst complex component 3 like 4; plus strand). Cytogenetic location: 14q32.32.
Variant type: single nucleotide variant.
Coding change: c.687C>G on transcript NM_001077594.2 (MANE Select); coding-DNA position 687, C replaced by G.
Protein change: p.Pro229=; no amino-acid change (proline 229 retained).
Molecular consequence: synonymous variant.
Genome position (GRCh38, 1-based): chr14:103,102,410, C>G. VCF-style: chr14-103102410-C-G. GRCh37 (hg19) VCF-style: chr14-103568747-C-G.
Other names: c.687C>G, p.Pro229= (NM_001394941.1, NM_001394942.1).
Identifiers: ClinVar variation 1279821 (VCV001279821.2), dbSNP rs10142287, ClinGen allele CA7361972.

ClinVar aggregate classification (germline): Benign. Review status: criteria provided, multiple submitters, no conflicts (2 of 4 stars). 2 submissions from 2 submitters: Benign (2). Last evaluated 2020-02-17.

Allele frequency attached by ClinVar (database versions not stated): ESP Exome Variant Server 0.01315; gnomAD 0.02762 and 0.02959; 1000 Genomes Project 0.03474; 1000 Genomes Project 30x 0.03779.
gnomAD v4.1: 8,468 of 1,532,906 alleles (0.55%); highest among the groups gnomAD compares: African/African-American, 9.9%; 353 homozygotes.

Submissions (2):

GeneDx
Classification: Benign. Last evaluated: 2020-02-17. Review status: criteria provided, single submitter. Criteria: GeneDx Variant Classification Process June 2021. Collection method: clinical testing. Allele origin: germline. Affected: yes.
Comment: This variant is associated with the following publications: (PMID: 30255815)

Breakthrough Genomics
Classification: Benign. Review status: criteria provided, single submitter. Criteria: ACMG Guidelines, 2015. Collection method: not provided. Allele origin: germline. Inheritance: Unknown mechanism. Affected: yes.